The following is an entry in ClinVar:

ClinVar aggregate classification (germline): Uncertain significance (1 of 4 stars; one submission).

Conditions:
Combined oxidative phosphorylation deficiency. Identifiers: MedGen C4540031, MONDO:0000732.
Charcot-Marie-Tooth Neuropathy X. Identifiers: MedGen CN118851.

Submission:

Labcorp Genetics (formerly Invitae), Labcorp
Classification: Uncertain significance for Charcot-Marie-Tooth Neuropathy X; Combined oxidative phosphorylation deficiency. Last evaluated: 2023-05-11. Review status: criteria provided, single submitter. Criteria: Invitae Variant Classification Sherloc (09022015). Collection method: clinical testing. Allele origin: germline.
Comment: In summary, the available evidence is currently insufficient to determine the role of this variant in disease. Therefore, it has been classified as a Variant of Uncertain Significance. Advanced modeling of protein sequence and biophysical properties (such as structural, functional, and spatial information, amino acid conservation, physicochemical variation, residue mobility, and thermodynamic stability) has been performed at Invitae for this missense variant, however the output from this modeling did not meet the statistical confidence thresholds required to predict the impact of this variant on AIFM1 protein function. This variant has not been reported in the literature in individuals affected with AIFM1-related conditions. This variant is not present in population databases (gnomAD no frequency). This sequence change replaces glutamic acid, which is acidic and polar, with glycine, which is neutral and non-polar, at codon 294 of the AIFM1 protein (p.Glu294Gly).

NM_004208.4(AIFM1):c.881A>G (p.Glu294Gly)

Genes: AIFM1 (apoptosis inducing factor mitochondria associated 1; minus strand), RAB33A (RAB33A, member RAS oncogene family; plus strand). Cytogenetic location: Xq26.1.
Variant type: single nucleotide variant.
Coding change: c.881A>G on transcript NM_004208.4 (MANE Select); coding-DNA position 881, A replaced by G.
Protein change: p.Glu294Gly; replaces glutamic acid 294 with glycine.
Molecular consequence: missense variant. On other transcripts: non-coding transcript variant (1).
Genome position (GRCh38, 1-based): chrX:130,138,679, T>C on the plus strand (A>G on the coding strand, the complement: AIFM1 is on the minus strand). VCF-style: chrX-130138679-T-C. GRCh37 (hg19) VCF-style: chrX-129272654-T-C.
Other names: c.881A>G, p.Glu294Gly (NM_001130847.4); c.869A>G, p.Glu290Gly (NM_145812.3); short protein forms E290G, E294G.
Identifiers: ClinVar variation 2947625 (VCV002947625.3), dbSNP rs2523126592, ClinGen allele CA414581631.